The following is an entry in ClinVar:

NM_207037.2(TCF12):c.1071G>A (p.Pro357=)

Gene: TCF12 (transcription factor 12; plus strand). Cytogenetic location: 15q21.3.
Variant type: single nucleotide variant.
Coding change: c.1071G>A on transcript NM_207037.2 (MANE Select); coding-DNA position 1071, G replaced by A.
Protein change: p.Pro357=; no amino-acid change (proline 357 retained).
Molecular consequence: synonymous variant.
Genome position (GRCh38, 1-based): chr15:57,243,507, G>A. VCF-style: chr15-57243507-G-A. GRCh37 (hg19) VCF-style: chr15-57535705-G-A.
Other names: c.561G>A, p.Pro187= (NM_001306219.3, NM_207040.2); c.363G>A, p.Pro121= (NM_001306220.3); c.1071G>A, p.Pro357= (NM_001322151.2, NM_001322152.2, NM_001322157.3 and 7 more transcripts); c.414G>A, p.Pro138= (NM_001322154.2); c.897G>A, p.Pro299= (NM_001322156.2, NM_001322158.2); c.1107G>A, p.Pro369= (NM_001322164.2).
Identifiers: ClinVar variation 739118 (VCV000739118.10), dbSNP rs139033333, ClinGen allele CA7581139.
Genomic context (GRCh38, chr15:57,243,507, plus strand): 5'-TGTATATTTCTTGTTTTCTGGTTAGATTTATTCTCCTGACCATACCAGCAGTAGTTTTCC[G>A]TCAAATCCATCAACACCAGTTGGATCACCTTCACCTCTCACAGGTAGGCTTCTGTTTTAT-3'
Protein context (NP_996920.1, residues 347-367): YSPDHTSSSF[Pro357=]SNPSTPVGSP

ClinVar aggregate classification (germline): Benign/Likely benign. Review status: criteria provided, multiple submitters, no conflicts (2 of 4 stars). 2 submissions from 2 submitters: Benign (1); Likely benign (1). Last evaluated 2026-05-13.

Conditions:
TCF12-related disorder. Also called: TCF12-related condition.

Allele frequency attached by ClinVar (database versions not stated): gnomAD 0.00173 and 0.00165; ESP Exome Variant Server 0.00185; TOPMed 0.00192; 1000 Genomes Project 30x 0.00297; 1000 Genomes Project 0.00300; gnomAD exomes 0.00016 and 0.00047; ExAC 0.00063.
gnomAD v4.1: 493 of 1,613,828 alleles (0.031%); highest among the groups gnomAD compares: African/African-American, 0.51%; 2 homozygotes.

Submissions (2):

PreventionGenetics, part of Exact Sciences
Classification: Likely benign for TCF12-related condition. Last evaluated: 2026-05-13. Review status: criteria provided, single submitter. Criteria: ACMG Guidelines, 2015. Collection method: clinical testing. Allele origin: germline.
Comment: This variant is classified as likely benign based on ACMG/AMP sequence variant interpretation guidelines (Richards et al. 2015 PMID: 25741868, with internal and published modifications).

Labcorp Genetics (formerly Invitae), Labcorp
Classification: Benign. Last evaluated: 2025-05-09. Review status: criteria provided, single submitter. Criteria: Invitae Variant Classification Sherloc (09022015). Collection method: clinical testing. Allele origin: germline.